The following is an entry in ClinVar:

NM_000152.5(GAA):c.2190-1005A>G

Gene: GAA (alpha glucosidase; plus strand). Cytogenetic location: 17q25.3.
Variant type: single nucleotide variant.
Coding change: c.2190-1005A>G on transcript NM_000152.5 (MANE Select); 1005 bases into the intron before coding-DNA position 2190, A replaced by G.
Molecular consequence: intron variant.
Genome position (GRCh38, 1-based): chr17:80,115,963, A>G. VCF-style: chr17-80115963-A-G. GRCh37 (hg19) VCF-style: chr17-78089762-A-G.
Other names: c.2190-1005A>G (NM_001406741.1, NM_001406742.1, NM_001079803.3 and 1 more transcripts).
Identifiers: ClinVar variation 4876370 (VCV004876370.1).

ClinVar aggregate classification (germline): Benign (1 of 4 stars; one submission).

Conditions:
Glycogen storage disease, type II (IOPD). Also called: Pompe Disease; CARDIOMEGALIA GLYCOGENICA DIFFUSA; GLYCOGENOSIS, GENERALIZED, CARDIAC FORM; GSD II; POMPE DISEASE, INFANTILE-ONSET; GLYCOGEN STORAGE DISEASE II, INFANTILE-ONSET. Identifiers: Orphanet 365, MedGen C0017921, MONDO:0009290, OMIM 232300.

Submission:

Genomenon, Inc
Classification: Benign for Glycogen storage disease, type II. Last evaluated: 2026-07-01. Review status: criteria provided, single submitter. Criteria: Genomenon Sequence Variant Interpretation Standards - Updated. Collection method: curation. Allele origin: germline. Affected: no.
Comment: GAA c.2190-1005A>G is an intronic variant located in intron 15. This variant is present at high allele frequency in population databases. We classify GAA c.2190-1005A>G as a benign variant.